The following is an entry in ClinVar:

ClinVar aggregate classification (germline): Likely benign. Review status: criteria provided, multiple submitters, no conflicts (2 of 4 stars). 3 submissions from 3 submitters: Likely benign (3). Last evaluated 2026-01-01.

Conditions:
Kabuki syndrome. Also called: NIIKAWA-KUROKI SYNDROME; Kabuki make-up syndrome. Identifiers: Orphanet 2322, MedGen C0796004, MONDO:0016512.
KMT2D-related disorder. Also called: KMT2D-Related Disorders.

Allele frequency attached by ClinVar (database versions not stated): ExAC 0.00004; TOPMed 0.00008; 1000 Genomes Project 0.00060; 1000 Genomes Project 30x 0.00062.
gnomAD v4.1: 29 of 1,613,644 alleles (0.0018%); highest among the groups gnomAD compares: African/African-American, 0.024%; no homozygotes.

Submissions (3):

Labcorp Genetics (formerly Invitae), Labcorp
Classification: Likely benign for Kabuki syndrome. Last evaluated: 2026-01-01. Review status: criteria provided, single submitter. Criteria: Invitae Variant Classification Sherloc (09022015). Collection method: clinical testing. Allele origin: germline.

PreventionGenetics, part of Exact Sciences
Classification: Likely benign for KMT2D-related condition. Last evaluated: 2024-11-12. Review status: criteria provided, single submitter. Criteria: ACMG Guidelines, 2015. Collection method: clinical testing. Allele origin: germline.
Comment: This variant is classified as likely benign based on ACMG/AMP sequence variant interpretation guidelines (Richards et al. 2015 PMID: 25741868, with internal and published modifications).

CeGaT Center for Human Genetics Tuebingen
Classification: Likely benign. Last evaluated: 2023-09-01. Review status: criteria provided, single submitter. Criteria: CeGaT Center For Human Genetics Tuebingen Variant Classification Criteria Version 2. Collection method: clinical testing. Allele origin: germline. Affected: yes. Observed: 1 variant allele.
Comment: KMT2D: BP4, BP7

NM_003482.4(KMT2D):c.6990C>T (p.Pro2330=)

Gene: KMT2D (lysine methyltransferase 2D; minus strand). Cytogenetic location: 12q13.12.
Variant type: single nucleotide variant.
Coding change: c.6990C>T on transcript NM_003482.4 (MANE Select); coding-DNA position 6990, C replaced by T.
Protein change: p.Pro2330=; no amino-acid change (proline 2330 retained).
Molecular consequence: synonymous variant.
Genome position (GRCh38, 1-based): chr12:49,040,780, G>A on the plus strand (C>T on the coding strand, the complement: KMT2D is on the minus strand). VCF-style: chr12-49040780-G-A. GRCh37 (hg19) VCF-style: chr12-49434563-G-A.
Other names: c.6990C>T (NM_003482.3).
Identifiers: ClinVar variation 1573234 (VCV001573234.33), dbSNP rs533716096, ClinGen allele CA6547145.